The following is an entry in ClinVar:

ClinVar aggregate classification (germline): Uncertain significance (1 of 4 stars; one submission).

Conditions:
Pancreatic adenocarcinoma. Identifiers: MedGen C0281361, MONDO:0006047, HP:0006725.

Submission:

Labcorp Genetics (formerly Invitae), Labcorp
Classification: Uncertain significance for Pancreatic adenocarcinoma. Last evaluated: 2020-11-25. Review status: criteria provided, single submitter. Criteria: Invitae Variant Classification Sherloc (09022015). Collection method: clinical testing. Allele origin: germline.
Comment: This variant, c.210_224del, results in the deletion of 5 amino acid(s) of the PALLD protein (p.Gln71_Ala75del), but otherwise preserves the integrity of the reading frame. In summary, the available evidence is currently insufficient to determine the role of this variant in disease. Therefore, it has been classified as a Variant of Uncertain Significance. Experimental studies and prediction algorithms are not available or were not evaluated, and the functional significance of this variant is currently unknown. This variant has not been reported in the literature in individuals with PALLD-related conditions. The frequency data for this variant in the population databases is considered unreliable, as metrics indicate insufficient coverage at this position in the ExAC database.

NM_001166108.2(PALLD):c.1965-12821_1965-12807del

Gene: PALLD (palladin, cytoskeletal associated protein; plus strand). Cytogenetic location: 4q32.3.
Variant type: Deletion.
Coding change: c.1965-12821_1965-12807del on transcript NM_001166108.2 (MANE Select); 12821 bases into the intron before coding-DNA position 1965 through 12807 bases into the intron before coding-DNA position 1965, 15 bases deleted (GCAGCCCTTCGGCGC).
Molecular consequence: intron variant. On other transcripts: inframe deletion (1).
Genome position (GRCh38, 1-based): chr4:168,878,101-168,878,115, GCAGCCCTTCGGCGC deleted; deleting any 15 consecutive bases within chr4:168,878,098-168,878,115 gives the same sequence; the c. name uses the placement nearest the transcript's 3' end. VCF-style (leftmost placement, unchanged base first): chr4-168878097-TCGCGCAGCCCTTCGG-T. GRCh37 (hg19) VCF-style: chr4-169799248-TCGCGCAGCCCTTCGG-T.
Other names: c.210_224del, p.Gln71_Ala75del (NM_001166110.2); c.1965-12821_1965-12807del (NM_016081.4); c.819-12821_819-12807del (NM_001166109.2); c.-157-12821_-157-12807del (NM_001367570.1, NM_001367568.1, NM_001367567.1 and 1 more transcripts).
Identifiers: ClinVar variation 1471598 (VCV001471598.8), dbSNP rs2151117365, ClinGen allele CA2573138113.